The following is an entry in ClinVar:

NM_015295.3(SMCHD1):c.3340G>A (p.Val1114Ile)

Gene: SMCHD1 (structural maintenance of chromosomes flexible hinge domain containing 1; plus strand). Cytogenetic location: 18p11.32.
Variant type: single nucleotide variant.
Coding change: c.3340G>A on transcript NM_015295.3 (MANE Select); coding-DNA position 3340, G replaced by A.
Protein change: p.Val1114Ile; replaces valine 1114 with isoleucine.
Molecular consequence: missense variant.
Genome position (GRCh38, 1-based): chr18:2,738,460, G>A. VCF-style: chr18-2738460-G-A. GRCh37 (hg19) VCF-style: chr18-2738458-G-A.
Other names: c.3340G>A (NM_015295.2); short protein forms V1114I.
Identifiers: ClinVar variation 286463 (VCV000286463.37), dbSNP rs778206654, ClinGen allele CA8871177.

ClinVar aggregate classification (germline): Conflicting classifications of pathogenicity. Review status: criteria provided, conflicting classifications (1 of 4 stars). 5 submissions from 5 submitters: Uncertain significance (4); Likely benign (1). Last evaluated 2024-09-03.

Conditions:
Facioscapulohumeral muscular dystrophy 2 (FSHD2). Also called: MUSCULAR DYSTROPHY, FACIOSCAPULOHUMERAL, TYPE 1B; FACIOSCAPULOHUMERAL MUSCULAR DYSTROPHY 2, DIGENIC; FSHD2, DIGENIC. Identifiers: Orphanet 269, MedGen C1834671, MONDO:0008031, OMIM 158901.

Allele frequency attached by ClinVar (database versions not stated): gnomAD 0.00003 and 0.00004; TOPMed 0.00004; gnomAD exomes 0.00007 and 0.00012; ExAC 0.00014.
gnomAD v4.1: 103 of 1,612,070 alleles (0.0064%); highest among the groups gnomAD compares: South Asian, 0.05%; no homozygotes.

Submissions (5):

Labcorp Genetics (formerly Invitae), Labcorp
Classification: Uncertain significance for Facioscapulohumeral muscular dystrophy 2. Last evaluated: 2024-09-03. Review status: criteria provided, single submitter. Criteria: Invitae Variant Classification Sherloc (09022015). Collection method: clinical testing. Allele origin: germline.
Comment: This sequence change replaces valine, which is neutral and non-polar, with isoleucine, which is neutral and non-polar, at codon 1114 of the SMCHD1 protein (p.Val1114Ile). This variant is present in population databases (rs778206654, gnomAD 0.05%). This missense change has been observed in individual(s) with facioscapulohumeral muscular dystrophy type 2 (PMID: 31243061). ClinVar contains an entry for this variant (Variation ID: 286463). Invitae Evidence Modeling of protein sequence and biophysical properties (such as structural, functional, and spatial information, amino acid conservation, physicochemical variation, residue mobility, and thermodynamic stability) indicates that this missense variant is not expected to disrupt SMCHD1 protein function with a negative predictive value of 80%. In summary, the available evidence is currently insufficient to determine the role of this variant in disease. Therefore, it has been classified as a Variant of Uncertain Significance.

CeGaT Center for Human Genetics Tuebingen
Classification: Uncertain significance. Last evaluated: 2023-10-01. Review status: criteria provided, single submitter. Criteria: CeGaT Center For Human Genetics Tuebingen Variant Classification Criteria Version 2. Collection method: clinical testing. Allele origin: germline. Affected: yes. Observed: 1 variant allele.

Blueprint Genetics
Classification: Likely benign. Last evaluated: 2023-04-26. Review status: criteria provided, single submitter. Criteria: ACMG Guidelines, 2015. Collection method: clinical testing. Allele origin: germline.

Revvity Omics, Revvity
Classification: Uncertain significance. Last evaluated: 2019-12-19. Review status: criteria provided, single submitter. Criteria: ACMG Guidelines, 2015. Collection method: clinical testing. Allele origin: germline.

Eurofins Ntd Llc (ga)
Classification: Uncertain significance. Last evaluated: 2016-02-25. Review status: criteria provided, single submitter. Criteria: EGL Classification Definitions 2015. Collection method: clinical testing. Allele origin: germline. Observed: 1 variant allele, 1 heterozygote.

Literature cited by the submitters: PubMed 31243061 (cited by Labcorp Genetics (formerly Invitae), Labcorp).